The following is an entry in ClinVar:

NM_001723.7(DST):c.3943A>G (p.Ile1315Val)

Gene: DST (dystonin; minus strand). Cytogenetic location: 6p12.1.
Variant type: single nucleotide variant.
Coding change: c.3943A>G on transcript NM_001723.7 (MANE Plus Clinical); coding-DNA position 3943, A replaced by G.
Protein change: p.Ile1315Val; replaces isoleucine 1315 with valine.
Molecular consequence: missense variant. On other transcripts: intron variant (10).
Genome position (GRCh38, 1-based): chr6:56,620,091, T>C on the plus strand (A>G on the coding strand, the complement: DST is on the minus strand). VCF-style: chr6-56620091-T-C. GRCh37 (hg19) VCF-style: chr6-56484889-T-C.
Other names: c.4830+4439A>G (NM_001144769.5); c.4929+4439A>G (NM_001374722.1, NM_001374736.1); c.4956+4439A>G (NM_001374734.1); c.4416+4439A>G (NM_001144770.2); c.4296+4439A>G (NM_001374730.1, NM_001386100.1, NM_183380.4 and 1 more transcripts); c.3318+4439A>G (NM_015548.5); short protein forms I1315V.
Identifiers: ClinVar variation 4987695 (VCV004987695.1).

ClinVar aggregate classification (germline): Uncertain significance (1 of 4 stars; one submission).

Conditions:
DST-related disorder. Also called: DST-related disorders; DST-related condition.

gnomAD v4.1: 8 of 1,613,716 alleles (0.0005%); highest among the groups gnomAD compares: African/African-American, 0.0067%; no homozygotes.

Submission:

PreventionGenetics, part of Exact Sciences
Classification: Uncertain significance for DST-related condition. Last evaluated: 2025-02-20. Review status: criteria provided, single submitter. Criteria: ACMG Guidelines, 2015. Collection method: clinical testing. Allele origin: germline.
Comment: The DST c.3943A>G variant is predicted to result in the amino acid substitution p.Ile1315Val. To our knowledge, this variant has not been reported in the literature. This variant is reported in 0.016% of alleles in individuals of African descent in gnomAD. At this time, the clinical significance of this variant is uncertain due to the absence of conclusive functional and genetic evidence.